The following is an entry in ClinVar:

ClinVar aggregate classification (germline): Uncertain significance. Review status: criteria provided, single submitter (1 of 4 stars). 2 submissions from 2 submitters: Uncertain significance (1). 1 of the submissions does not count toward it. Last evaluated 2024-02-17.

Conditions:
Neuronal ceroid lipofuscinosis 2. Also called: JANSKY-BIELSCHOWSKY DISEASE NEURONAL CEROID LIPOFUSCINOSIS, LATE INFANTILE; TPP1-Related Neuronal Ceroid-Lipofuscinosis. Identifiers: Orphanet 168491, Orphanet 228349, Orphanet 79264, MedGen C1876161, MONDO:0008769, OMIM 204500.

Allele frequency attached by ClinVar (database versions not stated): gnomAD exomes below 0.00001; gnomAD 0.00001; TOPMed 0.00001.
gnomAD v4.1: 8 of 1,613,936 alleles (0.0005%); highest among the groups gnomAD compares: Non-Finnish European, 0.00068%; no homozygotes.

Submissions (2):

Labcorp Genetics (formerly Invitae), Labcorp
Classification: Uncertain significance. Last evaluated: 2024-02-17. Review status: criteria provided, single submitter. Criteria: Invitae Variant Classification Sherloc (09022015). Collection method: clinical testing. Allele origin: germline.
Comment: This sequence change replaces phenylalanine, which is neutral and non-polar, with leucine, which is neutral and non-polar, at codon 481 of the TPP1 protein (p.Phe481Leu). This variant is present in population databases (no rsID available, gnomAD 0.0009%). This missense change has been observed in individual(s) with TPP1-related conditions (PMID: 12414822). ClinVar contains an entry for this variant (Variation ID: 972222). Advanced modeling of protein sequence and biophysical properties (such as structural, functional, and spatial information, amino acid conservation, physicochemical variation, residue mobility, and thermodynamic stability) performed at Invitae indicates that this missense variant is not expected to disrupt TPP1 protein function with a negative predictive value of 95%. In summary, the available evidence is currently insufficient to determine the role of this variant in disease. Therefore, it has been classified as a Variant of Uncertain Significance.

Natera, Inc.
Classification: Uncertain significance for Neuronal ceroid lipofuscinosis 2. Last evaluated: 2020-09-22. Review status: no assertion criteria provided. Collection method: clinical testing. Allele origin: germline. Not counted in ClinVar's aggregate classification.

Literature cited by the submitters: PubMed 12414822 (cited by Labcorp Genetics (formerly Invitae), Labcorp).

NM_000391.4(TPP1):c.1443T>G (p.Phe481Leu)

Gene: TPP1 (tripeptidyl peptidase 1; minus strand). Cytogenetic location: 11p15.4.
Variant type: single nucleotide variant.
Coding change: c.1443T>G on transcript NM_000391.4 (MANE Select); coding-DNA position 1443, T replaced by G.
Protein change: p.Phe481Leu; replaces phenylalanine 481 with leucine.
Molecular consequence: missense variant.
Genome position (GRCh38, 1-based): chr11:6,614,974, A>C on the plus strand (T>G on the coding strand, the complement: TPP1 is on the minus strand). VCF-style: chr11-6614974-A-C. GRCh37 (hg19) VCF-style: chr11-6636205-A-C.
Other names: short protein forms F481L.
Identifiers: ClinVar variation 972222 (VCV000972222.9), dbSNP rs1245220130, ClinGen allele CA379472460.